The following is an entry in ClinVar:

NM_001128178.3(NPHP1):c.809C>G (p.Ala270Gly)

Gene: NPHP1 (nephrocystin 1; minus strand). Cytogenetic location: 2q13.
Variant type: single nucleotide variant.
Coding change: c.809C>G on transcript NM_001128178.3 (MANE Select); coding-DNA position 809, C replaced by G.
Protein change: p.Ala270Gly; replaces alanine 270 with glycine.
Molecular consequence: missense variant.
Genome position (GRCh38, 1-based): chr2:110,163,098, G>C on the plus strand (C>G on the coding strand, the complement: NPHP1 is on the minus strand). VCF-style: chr2-110163098-G-C. GRCh37 (hg19) VCF-style: chr2-110920675-G-C.
Other names: c.977C>G, p.Ala326Gly (NM_000272.5); c.620C>G, p.Ala207Gly (NM_001128179.3); c.806C>G, p.Ala269Gly (NM_001374256.1); c.809C>G, p.Ala270Gly (NM_001374257.1); c.974C>G, p.Ala325Gly (NM_207181.4); short protein forms A269G, A207G, A270G, A325G, A326G.
Identifiers: ClinVar variation 4998473 (VCV004998473.1).
Genomic context (GRCh38, chr2:110,163,098, plus strand): 5'-CACGCATTACCTTCCTCCAGAAGCTGTGAGAGCGTGGAAGGCCTGAACCCTGCAGGAATA[G>C]CTCCCATCGTAGTTAACACATCAACAGTGTTTATCTGCTGAAGACAGTAACATCAAAATG-3'
Protein context (NP_001121650.1, residues 260-280): NTVDVLTTMG[Ala270Gly]IPAGFRPSTL

ClinVar aggregate classification (germline): Uncertain significance (1 of 4 stars; one submission).

Conditions:
NPHP1-related disorder. Also called: NPHP1-related condition; NPHP1-related disorders.

Submission:

PreventionGenetics, part of Exact Sciences
Classification: Uncertain significance for NPHP1-related condition. Last evaluated: 2025-08-07. Review status: criteria provided, single submitter. Criteria: ACMG Guidelines, 2015. Collection method: clinical testing. Allele origin: germline.
Comment: The NPHP1 c.977C>G variant is predicted to result in the amino acid substitution p.Ala326Gly. To our knowledge, this variant has not been reported in the literature or in a large population database (gnomAD), indicating this variant is rare. At this time, the clinical significance of this variant is uncertain due to the absence of conclusive functional and genetic evidence.